The following is an entry in ClinVar:

ClinVar aggregate classification (germline): Pathogenic. Review status: criteria provided, multiple submitters, no conflicts (2 of 4 stars). 3 submissions from 3 submitters: Pathogenic (3). Last evaluated 2024-05-29.

Conditions:
Cardiovascular phenotype. Identifiers: MedGen CN230736.
Dilated cardiomyopathy 1HH (CMD1HH). Identifiers: Orphanet 154, MedGen C3151293, MONDO:0013479, OMIM 613881.
Myofibrillar myopathy 6. Identifiers: Orphanet 199340, MedGen C2751831, MONDO:0013061, OMIM 612954.

Submissions (3):

Fulgent Genetics
Classification: Pathogenic for Myofibrillar myopathy 6; Dilated cardiomyopathy 1HH. Last evaluated: 2024-05-29. Review status: criteria provided, single submitter. Criteria: ACMG Guidelines, 2015. Collection method: clinical testing. Allele origin: germline.

Ambry Genetics
Classification: Pathogenic for Cardiovascular phenotype. Last evaluated: 2020-08-26. Review status: criteria provided, single submitter. Criteria: Ambry Variant Classification Scheme 2023. Collection method: clinical testing. Allele origin: germline.
Comment: The c.1267_1276del10 pathogenic mutation, located in coding exon 4 of the BAG3 gene, results from a deletion of 10 nucleotides at nucleotide positions 1267 to 1276, causing a translational frameshift with a predicted alternate stop codon (p.L423Kfs*14). This mutation was reported to segregate with disease in a large 4-generation family with idiopathic dilated cardiomyopathy (Feldman AM et al. J. Cell. Physiol., 2014 Nov;229:1697-702). In addition, other loss of function BAG3 alterations have been reported with strong segregation in numerous cases of familial dilated cardiomyopathy (Norton N et al. Am J Hum Genet. 2011;88(3):273-82; Villard E et al. Eur Heart J. 2011;32(9):1065-76; Chami N et al. Can J Cardiol. 2014;30(12):1655-61; Feldman AM et al. J Cell Physiol. 2014;229(11):1697-702; Franaszczyk M et al. J Transl Med. 2014;12:192; van Spaendonck-Zwarts KY et al. Eur Heart J. 2014;35(32):2165-73). This alteration is expected to result in loss of function by premature protein truncation. As such, this alteration is interpreted as a disease-causing mutation.

GeneDx
Classification: Pathogenic. Last evaluated: 2013-12-20. Review status: criteria provided, single submitter. Criteria: GeneDx Variant Classification (06012015). Collection method: clinical testing. Allele origin: germline. Affected: yes.
Comment: Although the c.1267_1276delCTGAAAGTGG mutation in the BAG3 gene has not been reported to our knowledge, this mutation causes a shift in reading frame starting at codon Leucine 423, changing it to an Lysine, and creating a premature stop codon at position 14 of the new reading frame, denoted p.Leu423LysfsX14. The normal sequence with the base that is deleted in braces is: AGTG{delCTGAAAGTGG}AAGC. This mutation is expected to cause an abnormal, truncated protein product. Other frameshift mutations in the BAG3 gene have been reported in association with dilated cardiomyopathy. Furthermore, c.1267_1276delCTGAAAGTGG was not observed in approximately 6500 individuals of European and African American ancestry in the NHLBI Exome Sequencing Project, indicating it is not a common benign variant in these populations. The variant is found in BAG3 panel(s).

Literature cited by the submitters: PubMed 24623017 (cited by Ambry Genetics).

NM_004281.4(BAG3):c.1267_1276del (p.Leu423fs)

Gene: BAG3 (BAG cochaperone 3; plus strand). Cytogenetic location: 10q26.11.
Variant type: Deletion.
Coding change: c.1267_1276del on transcript NM_004281.4 (MANE Select); coding-DNA positions 1267 to 1276, 10 bases deleted (CTGAAAGTGG; older notation c.1267_1276delCTGAAAGTGG).
Protein change: p.Leu423fs; shifts the reading frame from leucine 423.
Molecular consequence: frameshift variant.
Genome position (GRCh38, 1-based): chr10:119,676,821-119,676,830, CTGAAAGTGG deleted; deleting any 10 consecutive bases within chr10:119,676,820-119,676,830 gives the same sequence; the c. name uses the placement nearest the transcript's 3' end. VCF-style (leftmost placement, unchanged base first): chr10-119676819-TGCTGAAAGTG-T. GRCh37 (hg19) VCF-style: chr10-121436331-TGCTGAAAGTG-T.
Other names: c.1267_1276delCTGAAAGTGG (NM_004281.3); short protein forms L423fs.
Identifiers: ClinVar variation 201686 (VCV000201686.8), dbSNP rs794728981, ClinGen allele CA204624.